The following is an entry in ClinVar:

NM_004667.6(HERC2):c.9486C>T (p.Asp3162=)

Gene: HERC2 (HECT and RLD domain containing E3 ubiquitin protein ligase 2; minus strand). Cytogenetic location: 15q13.1.
Variant type: single nucleotide variant.
Coding change: c.9486C>T on transcript NM_004667.6 (MANE Select); coding-DNA position 9486, C replaced by T.
Protein change: p.Asp3162=; no amino-acid change (aspartic acid 3162 retained).
Molecular consequence: synonymous variant.
Genome position (GRCh38, 1-based): chr15:28,176,715, G>A on the plus strand (C>T on the coding strand, the complement: HERC2 is on the minus strand). VCF-style: chr15-28176715-G-A. GRCh37 (hg19) VCF-style: chr15-28421861-G-A.
Identifiers: ClinVar variation 3257061 (VCV003257061.17).

ClinVar aggregate classification (germline): Likely benign (1 of 4 stars; one submission).

gnomAD v4.1: 44 of 1,613,898 alleles (0.0027%); highest among the groups gnomAD compares: South Asian, 0.026%; no homozygotes.

Submission:

CeGaT Center for Human Genetics Tuebingen
Classification: Likely benign. Last evaluated: 2024-07-01. Review status: criteria provided, single submitter. Criteria: CeGaT Center For Human Genetics Tuebingen Variant Classification Criteria Version 2. Collection method: clinical testing. Allele origin: germline. Affected: yes. Observed: 1 variant allele.
Comment: HERC2: BP4, BP7